The following is an entry in ClinVar:

NM_003721.4(RFXANK):c.701G>A (p.Gly234Glu)

Gene: RFXANK (regulatory factor X associated ankyrin containing protein; plus strand). Cytogenetic location: 19p13.11.
Variant type: single nucleotide variant.
Coding change: c.701G>A on transcript NM_003721.4 (MANE Select); coding-DNA position 701, G replaced by A.
Protein change: p.Gly234Glu; replaces glycine 234 with glutamic acid.
Molecular consequence: missense variant.
Genome position (GRCh38, 1-based): chr19:19,199,223, G>A. VCF-style: chr19-19199223-G-A. GRCh37 (hg19) VCF-style: chr19-19310032-G-A.
Other names: c.701G>A, p.Gly234Glu (NM_001370238.1, NM_001370233.1); c.632G>A, p.Gly211Glu (NM_134440.3, NM_001278728.2); c.635G>A, p.Gly212Glu (NM_001278727.2, NM_001370234.1); c.698G>A, p.Gly233Glu (NM_001370235.1, NM_001370236.1, NM_001370237.1); short protein forms G211E, G212E, G233E, G234E.
Identifiers: ClinVar variation 1018497 (VCV001018497.8), dbSNP rs2060654956, ClinGen allele CA404897735.

ClinVar aggregate classification (germline): Uncertain significance (1 of 4 stars; one submission).

Conditions:
MHC class II deficiency. Also called: BLS, TYPE II; Bare lymphocyte syndrome 2. Identifiers: Orphanet 572, MedGen C5447452, MONDO:0008855.

Allele frequency attached by ClinVar (database versions not stated): TOPMed below 0.00001.

Submission:

Labcorp Genetics (formerly Invitae), Labcorp
Classification: Uncertain significance for MHC class II deficiency. Last evaluated: 2020-02-06. Review status: criteria provided, single submitter. Criteria: Invitae Variant Classification Sherloc (09022015). Collection method: clinical testing. Allele origin: germline.
Comment: In summary, the available evidence is currently insufficient to determine the role of this variant in disease. Therefore, it has been classified as a Variant of Uncertain Significance. Algorithms developed to predict the effect of missense changes on protein structure and function are either unavailable or do not agree on the potential impact of this missense change (SIFT: "Deleterious"; PolyPhen-2: "Possibly Damaging"; Align-GVGD: "Class C0"). This variant has not been reported in the literature in individuals with RFXANK-related conditions. This variant is not present in population databases (ExAC no frequency). This sequence change replaces glycine with glutamic acid at codon 234 of the RFXANK protein (p.Gly234Glu). The glycine residue is highly conserved and there is a moderate physicochemical difference between glycine and glutamic acid.